The following is an entry in ClinVar:

NM_001031710.3(KLHL7):c.52C>T (p.Leu18Phe)

Gene: KLHL7 (kelch like family member 7; plus strand). Cytogenetic location: 7p15.3.
Variant type: single nucleotide variant.
Coding change: c.52C>T on transcript NM_001031710.3 (MANE Select); coding-DNA position 52, C replaced by T.
Protein change: p.Leu18Phe; replaces leucine 18 with phenylalanine.
Molecular consequence: missense variant. On other transcripts: non-coding transcript variant (2).
Genome position (GRCh38, 1-based): chr7:23,106,078, C>T. VCF-style: chr7-23106078-C-T. GRCh37 (hg19) VCF-style: chr7-23145697-C-T.
Other names: c.52C>T, p.Leu18Phe (NM_001172428.2); short protein forms L18F.
Identifiers: ClinVar variation 2851758 (VCV002851758.3), dbSNP rs2534736146, ClinGen allele CA366972555.

ClinVar aggregate classification (germline): Uncertain significance (1 of 4 stars; one submission).

Submission:

Labcorp Genetics (formerly Invitae), Labcorp
Classification: Uncertain significance. Last evaluated: 2025-12-15. Review status: criteria provided, single submitter. Criteria: Invitae Variant Classification Sherloc (09022015). Collection method: clinical testing. Allele origin: germline.
Comment: This sequence change replaces leucine, which is neutral and non-polar, with phenylalanine, which is neutral and non-polar, at codon 18 of the KLHL7 protein (p.Leu18Phe). This variant is not present in population databases (gnomAD no frequency). This variant has not been reported in the literature in individuals affected with KLHL7-related conditions. ClinVar contains an entry for this variant (Variation ID: 2851758). An algorithm developed to predict the effect of missense changes on protein structure and function (PolyPhen-2) suggests that this variant is likely to be disruptive. In summary, the available evidence is currently insufficient to determine the role of this variant in disease. Therefore, it has been classified as a Variant of Uncertain Significance.